The following is an entry in ClinVar:

NM_152906.7(TANGO2):c.539G>A (p.Arg180Gln)

Gene: TANGO2 (transport and golgi organization 2 homolog; plus strand). Cytogenetic location: 22q11.21.
Variant type: single nucleotide variant.
Coding change: c.539G>A on transcript NM_152906.7 (MANE Select); coding-DNA position 539, G replaced by A.
Protein change: p.Arg180Gln; replaces arginine 180 with glutamine.
Molecular consequence: missense variant. On other transcripts: non-coding transcript variant (3), intron variant (4).
Genome position (GRCh38, 1-based): chr22:20,061,617, G>A. VCF-style: chr22-20061617-G-A. GRCh37 (hg19) VCF-style: chr22-20049140-G-A.
Other names: c.539G>A, p.Arg180Gln (NM_001283106.3, NM_001283116.3, NM_001283148.3 and 2 more transcripts); c.662G>A, p.Arg221Gln (NM_001283129.3, NM_001322141.2, NM_001322143.2 and 1 more transcripts); c.353G>A, p.Arg118Gln (NM_001283179.3, NM_001283186.3, NM_001322163.2 and 3 more transcripts); c.245G>A, p.Arg82Gln (NM_001283235.3, NM_001322150.2, NM_001322153.2 and 6 more transcripts); c.476G>A, p.Arg159Gln (NM_001322145.2, NM_001322147.2); c.437G>A, p.Arg146Gln (NM_001322146.2, NM_001322148.2, NM_001322160.2); c.381-1721G>A (NM_001283199.3); c.575-2925G>A (NM_001283215.3); and 3 more; short protein forms R146Q, R180Q, R221Q, R118Q, R159Q, R82Q.
Identifiers: ClinVar variation 1404465 (VCV001404465.7), dbSNP rs914146516, ClinGen allele CA322143449.

ClinVar aggregate classification (germline): Conflicting classifications of pathogenicity. Review status: criteria provided, conflicting classifications (1 of 4 stars). 2 submissions from 2 submitters: Uncertain significance (1); Likely benign (1). Last evaluated 2025-05-21.

Conditions:
Inborn genetic diseases. Identifiers: MedGen C0950123, MeSH D030342.

Allele frequency attached by ClinVar (database versions not stated): gnomAD exomes 0.00003.
gnomAD v4.1: 22 of 1,577,700 alleles (0.0014%); highest among the groups gnomAD compares: Admixed American, 0.0055%; 1 homozygote.

Submissions (2):

Ambry Genetics
Classification: Likely benign for Inborn genetic diseases. Last evaluated: 2025-05-21. Review status: criteria provided, single submitter. Criteria: Ambry Variant Classification Scheme 2023. Collection method: clinical testing. Allele origin: germline.

Labcorp Genetics (formerly Invitae), Labcorp
Classification: Uncertain significance. Last evaluated: 2022-10-25. Review status: criteria provided, single submitter. Criteria: Invitae Variant Classification Sherloc (09022015). Collection method: clinical testing. Allele origin: germline.
Comment: This sequence change replaces arginine, which is basic and polar, with glutamine, which is neutral and polar, at codon 180 of the TANGO2 protein (p.Arg180Gln). This variant is present in population databases (no rsID available, gnomAD 0.01%). This variant has not been reported in the literature in individuals affected with TANGO2-related conditions. ClinVar contains an entry for this variant (Variation ID: 1404465). Algorithms developed to predict the effect of missense changes on protein structure and function output the following: SIFT: "Not Available"; PolyPhen-2: "Benign"; Align-GVGD: "Not Available". The glutamine amino acid residue is found in multiple mammalian species, which suggests that this missense change does not adversely affect protein function. In summary, the available evidence is currently insufficient to determine the role of this variant in disease. Therefore, it has been classified as a Variant of Uncertain Significance.